The following is an entry in ClinVar:

ClinVar aggregate classification (germline): Uncertain significance (1 of 4 stars; one submission).

Submission:

GeneDx
Classification: Uncertain significance. Last evaluated: 2024-05-17. Review status: criteria provided, single submitter. Criteria: GeneDx Variant Classification Process June 2021. Collection method: clinical testing. Allele origin: germline. Affected: yes.
Comment: Not observed at significant frequency in large population cohorts (gnomAD); In silico analysis supports that this missense variant has a deleterious effect on protein structure/function; Has not been previously published as pathogenic or benign to our knowledge

NM_032229.3(SLITRK6):c.1310T>C (p.Leu437Pro)

Gene: SLITRK6 (SLIT and NTRK like family member 6; minus strand). Cytogenetic location: 13q31.1.
Variant type: single nucleotide variant.
Coding change: c.1310T>C on transcript NM_032229.3 (MANE Select); coding-DNA position 1310, T replaced by C.
Protein change: p.Leu437Pro; replaces leucine 437 with proline.
Molecular consequence: missense variant.
Genome position (GRCh38, 1-based): chr13:85,795,199, A>G on the plus strand (T>C on the coding strand, the complement: SLITRK6 is on the minus strand). VCF-style: chr13-85795199-A-G. GRCh37 (hg19) VCF-style: chr13-86369334-A-G.
Other names: short protein forms L437P.
Identifiers: ClinVar variation 3377834 (VCV003377834.1).